The following is an entry in ClinVar:

NM_022455.5(NSD1):c.2192_2193del (p.Leu730_Ser731insTer)

Gene: NSD1 (nuclear receptor binding SET domain protein 1; plus strand). Cytogenetic location: 5q35.3.
Variant type: Microsatellite.
Coding change: c.2192_2193del on transcript NM_022455.5 (MANE Select); coding-DNA positions 2192 to 2193, 2 bases deleted (CT; older notation c.2192_2193delCT).
Protein change: p.Leu730_Ser731insTer.
Molecular consequence: nonsense. On other transcripts: frameshift variant (2).
Genome position (GRCh38, 1-based): chr5:177,210,591-177,210,592, CT deleted; deleting any 2 consecutive bases within chr5:177,210,586-177,210,592 gives the same sequence; the c. name uses the placement nearest the transcript's 3' end. VCF-style (leftmost placement, unchanged base first): chr5-177210585-ATC-A. GRCh37 (hg19) VCF-style: chr5-176637586-ATC-A.
Other names: c.1319_1320del, p.Leu439_Ser440insTer (NM_001365684.2, NM_001409306.1, NM_001409307.1 and 3 more transcripts); c.2192_2193del, p.Leu730_Ser731insTer (NM_001409301.1, NM_001409302.1, NM_001409303.1); c.1772_1773del, p.Leu590_Ser591insTer (NM_001409304.1); c.1439_1440del, p.Leu479_Ser480insTer (NM_001409305.1); c.2188_2189CT[2], p.Ser731Terfs (NM_022455.4); c.2192_2193del (NM_022455.4).
Identifiers: ClinVar variation 4689824 (VCV004689824.1).

ClinVar aggregate classification (germline): Pathogenic (1 of 4 stars; one submission).

Submission:

GeneDx
Classification: Pathogenic. Last evaluated: 2025-07-31. Review status: criteria provided, single submitter. Criteria: GeneDx Variant Classification Process June 2021. Collection method: clinical testing. Allele origin: germline. Affected: yes.
Comment: Nonsense variant predicted to result in protein truncation or nonsense mediated decay in a gene for which loss of function is a known mechanism of disease; Not observed at significant frequency in large population cohorts (gnomAD); This variant is associated with the following publications: (PMID: 32005694)